The following is an entry in ClinVar:

ClinVar aggregate classification (germline): Benign (1 of 4 stars; one submission).

Conditions:
Exudative vitreoretinopathy 1 (EVR1). Also called: CRISWICK-SCHEPENS SYNDROME; FEVR, AUTOSOMAL DOMINANT; Familial exudative vitreoretinopathy, autosomal dominant. Identifiers: Orphanet 891, Orphanet 90050, MedGen C1851402, MONDO:0007589, OMIM 133780.

Allele frequency attached by ClinVar (database versions not stated): gnomAD 0.00016 and 0.00025; TOPMed 0.00027; gnomAD exomes 0.00059; 1000 Genomes Project 0.00140; 1000 Genomes Project 30x 0.00156.
gnomAD v4.1: 489 of 931,626 alleles (0.052%); highest among the groups gnomAD compares: East Asian, 1.1%; 5 homozygotes.

Submission:

Illumina Laboratory Services, Illumina
Classification: Benign for Exudative vitreoretinopathy 1. Last evaluated: 2018-01-13. Review status: criteria provided, single submitter. Criteria: ICSL Variant Classification Criteria 13 December 2019. Collection method: clinical testing. Allele origin: germline.
Comment: This variant was observed in the ICSL laboratory as part of a predisposition screen in an ostensibly healthy population. It had not been previously curated by ICSL or reported in the Human Gene Mutation Database (HGMD: prior to June 1st, 2018), and was therefore a candidate for classification through an automated scoring system. Utilizing variant allele frequency, disease prevalence and penetrance estimates, and inheritance mode, an automated score was calculated to assess if this variant is too frequent to cause the disease. Based on the score and internal cut-off values, a variant classified as benign is not then subjected to further curation. The score for this variant resulted in a classification of benign for this disease.

NM_012193.4(FZD4):c.*135C>T

Genes: FZD4 (frizzled class receptor 4; minus strand), PRSS23 (serine protease 23; plus strand). Cytogenetic location: 11q14.2.
Variant type: single nucleotide variant.
Coding change: c.*135C>T on transcript NM_012193.4 (MANE Select); 135 bases downstream of the stop codon, C replaced by T.
Molecular consequence: 3 prime UTR variant.
Genome position (GRCh38, 1-based): chr11:86,951,007, G>A on the plus strand (C>T on the coding strand, the complement: FZD4 is on the minus strand). VCF-style: chr11-86951007-G-A. GRCh37 (hg19) VCF-style: chr11-86662049-G-A.
Identifiers: ClinVar variation 306399 (VCV000306399.5), dbSNP rs377696818, ClinGen allele CA10639603.